The following is an entry in ClinVar:

NM_012401.4(PLXNB2):c.2652G>A (p.Ser884=)

Gene: PLXNB2 (plexin B2; minus strand). Cytogenetic location: 22q13.33.
Variant type: single nucleotide variant.
Coding change: c.2652G>A on transcript NM_012401.4 (MANE Select); coding-DNA position 2652, G replaced by A.
Protein change: p.Ser884=; no amino-acid change (serine 884 retained).
Molecular consequence: synonymous variant.
Genome position (GRCh38, 1-based): chr22:50,283,364, C>T on the plus strand (G>A on the coding strand, the complement: PLXNB2 is on the minus strand). VCF-style: chr22-50283364-C-T. GRCh37 (hg19) VCF-style: chr22-50721793-C-T.
Other names: c.2652G>A, p.Ser884= (NM_001376864.1, NM_001376866.1, NM_001376867.1 and 18 more transcripts); c.2721G>A, p.Ser907= (NM_001376865.1); c.2559G>A, p.Ser853= (NM_001376886.1).
Identifiers: ClinVar variation 4084081 (VCV004084081.8).
Genomic context (GRCh38, chr22:50,283,364, plus strand): 5'-GGGTTCGGCAGGTCCCCGAGGCCGGGTGCTTACTTGGAAGGTGAACTGGACATTGGGAGG[C>T]GAACGGCCCAGTTTCCCGAAGACGTCCACCTCGACACCCCCCGTGAAAGGCGTCTCCGCA-3'
Protein context (NP_036533.2, residues 874-894): EVDVFGKLGR[Ser884=]PPNVQFTFQQ

ClinVar aggregate classification (germline): Likely benign (1 of 4 stars; one submission).

gnomAD v4.1: 498 of 1,613,038 alleles (0.031%); highest among the groups gnomAD compares: Non-Finnish European, 0.038%; no homozygotes.

Submission:

CeGaT Center for Human Genetics Tuebingen
Classification: Likely benign. Last evaluated: 2025-08-01. Review status: criteria provided, single submitter. Criteria: CeGaT Center For Human Genetics Tuebingen Variant Classification Criteria Version 2. Collection method: clinical testing. Allele origin: germline. Affected: yes. Observed: 1 variant allele.
Comment: PLXNB2: BP4, BP7